The following is an entry in ClinVar:

ClinVar aggregate classification (germline): Pathogenic. Review status: reviewed by expert panel (3 of 4 stars). 2 submissions from 2 submitters: Pathogenic (1). 1 of the submissions does not count toward it. Last evaluated 2016-10-18.

Conditions:
Breast-ovarian cancer, familial, susceptibility to, 1 (BROVCA1). Also called: BRCA1 Hereditary Breast and Ovarian Cancer; OVARIAN CANCER, SUSCEPTIBILITY TO. Identifiers: Orphanet 145, MedGen C2676676, MONDO:0011450, OMIM 604370. Disease mechanism: loss of function.

Submissions (2):

Evidence-based Network for the Interpretation of Germline Mutant Alleles (ENIGMA)
Classification: Pathogenic for Breast-ovarian cancer, familial, susceptibility to, 1. Last evaluated: 2016-10-18. Review status: reviewed by expert panel. Criteria: ENIGMA BRCA1/2 Classification Criteria (2015). Collection method: curation. Allele origin: germline.
Comment: Variant allele predicted to encode a truncated non-functional protein.

Consortium of Investigators of Modifiers of BRCA1/2 (CIMBA), c/o University of Cambridge
Classification: Pathogenic for Breast-ovarian cancer, familial, susceptibility to, 1. Last evaluated: 2015-10-02. Review status: criteria provided, single submitter. Criteria: CIMBA Mutation Classification guidelines May 2016. Collection method: clinical testing. Allele origin: germline. Not counted in ClinVar's aggregate classification.

NM_007294.4(BRCA1):c.239_241delinsTT (p.Ser80fs)

Gene: BRCA1 (BRCA1 DNA repair associated; minus strand). Cytogenetic location: 17q21.31.
Variant type: Indel.
Coding change: c.239_241delinsTT on transcript NM_007294.4 (MANE Select); coding-DNA positions 239 to 241, GTC replaced by TT.
Protein change: p.Ser80fs; shifts the reading frame from serine 80.
Molecular consequence: frameshift variant. On other transcripts: non-coding transcript variant (1).
Genome position (GRCh38, 1-based): chr17:43,104,928-43,104,930, GAC replaced by AA on the plus strand (GTC replaced by TT on the coding strand, the reverse complement: BRCA1 is on the minus strand). VCF-style: chr17-43104928-GAC-AA. GRCh37 (hg19) VCF-style: chr17-41256945-GAC-AA.
Other names: 358del3insTT; c.239_241delGTCinsTT, p.Ser80Ilefs (NM_001407993.1, NM_001408392.1, NM_001408396.1 and 166 more transcripts); c.161_163delGTCinsTT, p.Ser54Ilefs (NM_001408409.1, NM_001408411.1, NM_001408412.1 and 21 more transcripts); c.98_100delGTCinsTT, p.Ser33Ilefs (NM_001408410.1, NM_001408452.1, NM_001408453.1 and 98 more transcripts); c.107_109delGTCinsTT, p.Ser36Ilefs (NM_001408451.1); c.29_31delGTCinsTT, p.Ser10Ilefs (NM_001408478.1, NM_001408479.1, NM_001408480.1 and 58 more transcripts); c.-143_-141delGTCinsTT (NM_001408510.1, NM_001408512.1, NM_001407959.1 and 4 more transcripts); c.98_100delinsTT, p.Ser33fs (NM_007297.4); and 1 more; short protein forms S33fs, S80fs.
Identifiers: ClinVar variation 266257 (VCV000266257.6), dbSNP rs886040032, ClinGen allele CA10590028.